The following is an entry in ClinVar:

ClinVar aggregate classification (germline): Likely benign (1 of 4 stars; one submission).

Submission:

Women's Health and Genetics/Laboratory Corporation of America, LabCorp
Classification: Likely benign. Last evaluated: 2024-01-24. Review status: criteria provided, single submitter. Criteria: LabCorp Variant Classification Summary - May 2015. Collection method: clinical testing. Allele origin: germline.
Comment: Variant summary: SNF1LK c.625-16C>T alters a non-conserved nucleotide located at a position not widely known to affect splicing. Consensus agreement among computation tools predict no significant impact on normal splicing. However, these predictions have yet to be confirmed by functional studies. The variant was absent in 29392 control chromosomes. The available data on variant occurrences in the general population are insufficient to allow any conclusion about variant significance. To our knowledge, no occurrence of c.625-16C>T in individuals affected with Developmental And Epileptic Encephalopathy, 30 and no experimental evidence demonstrating its impact on protein function have been reported. No submitters have cited clinical-significance assessments for this variant to ClinVar. Based on the evidence outlined above, the variant was classified as likely benign.

NM_173354.5(SIK1):c.625-16C>T

Gene: SIK1 (salt inducible kinase 1; minus strand). Cytogenetic location: 21q22.3.
Variant type: single nucleotide variant.
Coding change: c.625-16C>T on transcript NM_173354.5 (MANE Select); 16 bases into the intron before coding-DNA position 625, C replaced by T.
Molecular consequence: intron variant.
Genome position (GRCh38, 1-based): chr21:43,421,149, G>A on the plus strand (C>T on the coding strand, the complement: SIK1 is on the minus strand). VCF-style: chr21-43421149-G-A. GRCh37 (hg19) VCF-style: chr21-44841029-G-A.
Identifiers: ClinVar variation 3063667 (VCV003063667.1), dbSNP rs745597334, ClinGen allele CA749588231.